The following is an entry in ClinVar:

ClinVar aggregate classification (germline): Uncertain significance (1 of 4 stars; one submission).

Conditions:
Branchiootorenal syndrome 1. Also called: Branchio-Oto-Renal Syndrome 1. Identifiers: Orphanet 107, MedGen C4551702, MONDO:0007236, OMIM 113650.
Otofaciocervical syndrome 1 (OTFCS). Identifiers: MedGen C3714941, MONDO:0024532, OMIM 166780.
Branchiootic syndrome 1 (BOS1). Also called: BO SYNDROME 1; BRANCHIOOTIC DYSPLASIA. Identifiers: MedGen C1865143, MONDO:0011258, OMIM 602588.

Submission:

Juno Genomics, Hangzhou Juno Genomics, Inc
Classification: Uncertain significance for Otofaciocervical syndrome 1; Branchiootic syndrome 1; Branchiootorenal syndrome 1. Review status: criteria provided, single submitter. Criteria: ACMG Guidelines, 2015. Collection method: clinical testing. Allele origin: germline. Affected: yes.
Comment: Absent from controls (or at extremely low frequency if recessive) in Genome Aggregation Database, Exome Sequencing Project, 1000 Genomes Project, or Exome Aggregation Consortium.;Null variant in a gene where loss of function (LOF) is a known mechanism of disease.

NM_000503.6(EYA1):c.1699-2_1701del

Gene: EYA1 (EYA transcriptional coactivator and phosphatase 1; minus strand). Cytogenetic location: 8q13.3.
Variant type: Deletion.
Coding change: c.1699-2_1701del on transcript NM_000503.6 (MANE Select); the canonical splice acceptor site of the intron before coding-DNA position 1699 through coding-DNA position 1701, 5 bases deleted (AGCAC; older notation c.1699-2_1701delAGCAC).
Molecular consequence: splice acceptor variant.
Genome position (GRCh38, 1-based): chr8:71,199,418-71,199,422, GTGCT deleted on the plus strand (AGCAC on the coding strand, the reverse complement: EYA1 is on the minus strand); deleting any 5 consecutive bases within chr8:71,199,418-71,199,423 gives the same sequence; the c. name uses the placement nearest the transcript's 3' end. VCF-style (leftmost placement, unchanged base first): chr8-71199417-CGTGCT-C. GRCh37 (hg19) VCF-style: chr8-72111652-CGTGCT-C.
Other names: c.1678-2_1680del (NM_001370336.1); c.1786-2_1788del (NM_001370333.1); c.1699-2_1701del (NM_001370335.1, NM_001370334.1, NM_172058.4); c.1681-2_1683del (NM_172059.5, NM_001288574.2); c.1600-2_1602del (NM_001411797.1, NM_172060.4); c.1333-2_1335del (NM_001288575.2).
Identifiers: ClinVar variation 3382736 (VCV003382736.2).